The following is an entry in ClinVar:

NM_002408.4(MGAT2):c.797C>T (p.Pro266Leu)

Gene: MGAT2 (alpha-1,6-mannosyl-glycoprotein 2-beta-N-acetylglucosaminyltransferase; plus strand). Cytogenetic location: 14q21.3.
Variant type: single nucleotide variant.
Coding change: c.797C>T on transcript NM_002408.4 (MANE Select); coding-DNA position 797, C replaced by T.
Protein change: p.Pro266Leu; replaces proline 266 with leucine.
Molecular consequence: missense variant.
Genome position (GRCh38, 1-based): chr14:49,622,065, C>T. VCF-style: chr14-49622065-C-T. GRCh37 (hg19) VCF-style: chr14-50088783-C-T.
Other names: short protein forms P266L.
Identifiers: ClinVar variation 635036 (VCV000635036.2), dbSNP rs1566505007, ClinGen allele CA389620501.

ClinVar aggregate classification (germline): Uncertain significance. Review status: criteria provided, multiple submitters, no conflicts (2 of 4 stars). 2 submissions from 2 submitters: Uncertain significance (2). Last evaluated 2025-11-01.

Conditions:
MGAT2-congenital disorder of glycosylation. Also called: MGAT2-CDG; CDG IIa; Congenital disorder of glycosylation, type IIa; MENTAL RETARDATION, GROWTH RETARDATION, PROMINENT COLUMELLA, AND OPEN MOUTH; Alkuraya syndrome. Identifiers: Orphanet 79329, MedGen C2931008, MONDO:0008908, OMIM 212066.

Submissions (2):

Medical Molecular Genetics, National Research Centre
Classification: Uncertain significance for MGAT2-congenital disorder of glycosylation. Last evaluated: 2025-11-01. Review status: criteria provided, single submitter. Criteria: ACMG Guidelines, 2015. Collection method: research. Allele origin: inherited. Affected: yes.

Broad Center for Mendelian Genomics, Broad Institute of MIT and Harvard
Classification: Uncertain significance for MGAT2-congenital disorder of glycosylation. Last evaluated: 2018-06-15. Review status: criteria provided, single submitter. Criteria: ACMG Guidelines, 2015. Collection method: research. Allele origin: germline. Inheritance: Autosomal recessive inheritance. Affected: yes.
Comment: This variant was absent from large population studies. The Proline (Pro) at position 266 is highly conserved in mammals and evolutionarily distant species, raising the possibility that a change at this position may not be tolerated. Computational prediction tools suggest that this variant may impact the protein, though this information is not predictive enough to determine pathogenicity. In summary, while there is some suspicion for a pathogenic role, the clinical significance of this variant is uncertain.